The following is an entry in ClinVar:

ClinVar aggregate classification (germline): Uncertain significance. Review status: criteria provided, multiple submitters, no conflicts (2 of 4 stars). 2 submissions from 2 submitters: Uncertain significance (2). Last evaluated 2024-04-08.

Conditions:
Gorlin syndrome. Also called: Nevoid Basal Cell Carcinoma Syndrome; Basal cell nevus syndrome. Identifiers: Orphanet 377, MedGen C0004779, MONDO:0007187.
Medulloblastoma (MDB). Also called: MEDULLOBLASTOMA PREDISPOSITION SYNDROME; Medulloblastoma, somatic. Identifiers: Orphanet 616, MedGen C0025149, MeSH D008527, MONDO:0007959, OMIM 155255, HP:0002885.
Hereditary cancer-predisposing syndrome. Also called: Neoplastic Syndromes, Hereditary; Hereditary Cancer Syndrome; Hereditary neoplastic syndrome; Tumor predisposition. Identifiers: Orphanet 140162, MedGen C0027672, MeSH D009386, MONDO:0015356.

Submissions (2):

Labcorp Genetics (formerly Invitae), Labcorp
Classification: Uncertain significance for Gorlin syndrome; Medulloblastoma. Last evaluated: 2024-04-08. Review status: criteria provided, single submitter. Criteria: Invitae Variant Classification Sherloc (09022015). Collection method: clinical testing. Allele origin: germline.
Comment: This sequence change replaces glycine, which is neutral and non-polar, with aspartic acid, which is acidic and polar, at codon 19 of the SUFU protein (p.Gly19Asp). This variant is not present in population databases (gnomAD no frequency). This variant has not been reported in the literature in individuals affected with SUFU-related conditions. ClinVar contains an entry for this variant (Variation ID: 825910). An algorithm developed to predict the effect of missense changes on protein structure and function (PolyPhen-2) suggests that this variant is likely to be disruptive. In summary, the available evidence is currently insufficient to determine the role of this variant in disease. Therefore, it has been classified as a Variant of Uncertain Significance.

Ambry Genetics
Classification: Uncertain significance for Hereditary cancer-predisposing syndrome. Last evaluated: 2021-07-22. Review status: criteria provided, single submitter. Criteria: Ambry Variant Classification Scheme 2023. Collection method: clinical testing. Allele origin: germline.
Comment: The p.G19D variant (also known as c.56G>A), located in coding exon 1 of the SUFU gene, results from a G to A substitution at nucleotide position 56. The glycine at codon 19 is replaced by aspartic acid, an amino acid with similar properties. This amino acid position is highly conserved in available vertebrate species. In addition, the in silico prediction for this alteration is inconclusive. Since supporting evidence is limited at this time, the clinical significance of this alteration remains unclear.

NM_016169.4(SUFU):c.56G>A (p.Gly19Asp)

Genes: SUFU (SUFU negative regulator of hedgehog signaling; plus strand), LOC130004614 (ATAC-STARR-seq lymphoblastoid silent region 2764; plus strand). Cytogenetic location: 10q24.32.
Variant type: single nucleotide variant.
Coding change: c.56G>A on transcript NM_016169.4 (MANE Select); coding-DNA position 56, G replaced by A.
Protein change: p.Gly19Asp; replaces glycine 19 with aspartic acid.
Molecular consequence: missense variant.
Genome position (GRCh38, 1-based): chr10:102,504,208, G>A. VCF-style: chr10-102504208-G-A. GRCh37 (hg19) VCF-style: chr10-104263965-G-A.
Other names: c.56G>A, p.Gly19Asp (NM_001178133.2); short protein forms G19D.
Identifiers: ClinVar variation 825910 (VCV000825910.14), dbSNP rs1589969913, ClinGen allele CA377886281.
Genomic context (GRCh38, chr10:102,504,208, plus strand): 5'-CCCCGATGGCGGAGCTGCGGCCTAGCGGCGCCCCCGGCCCCACCGCGCCCCCGGCCCCTG[G>A]CCCGACTGCCCCCCCGGCCTTCGCTTCGCTCTTTCCCCCGGGACTGCACGCCATCTACGG-3'
Protein context (NP_057253.2, residues 9-29): APGPTAPPAP[Gly19Asp]PTAPPAFASL